The following is an entry in ClinVar:

NM_000179.3(MSH6):c.661G>C (p.Glu221Gln)

Gene: MSH6 (mutS homolog 6; plus strand). Cytogenetic location: 2p16.3.
Variant type: single nucleotide variant.
Coding change: c.661G>C on transcript NM_000179.3 (MANE Select); coding-DNA position 661, G replaced by C.
Protein change: p.Glu221Gln; replaces glutamic acid 221 with glutamine.
Molecular consequence: missense variant. On other transcripts: non-coding transcript variant (4), intron variant (1), 5 prime UTR variant (9).
Genome position (GRCh38, 1-based): chr2:47,798,644, G>C. VCF-style: chr2-47798644-G-C. GRCh37 (hg19) VCF-style: chr2-48025783-G-C.
Other names: c.628-2022G>C (NM_001407362.1); c.493G>C, p.Glu165Gln (NM_001406826.1); c.364G>C, p.Glu122Gln (NM_001406827.1, NM_001406828.1, NM_001406830.1 and 10 more transcripts); c.-246G>C (NM_001406829.1, NM_001281493.2, NM_001281494.2 and 6 more transcripts); c.271G>C, p.Glu91Gln (NM_001281492.2); c.757G>C, p.Glu253Gln (NM_001406795.1, NM_001406802.1); c.661G>C, p.Glu221Gln (NM_001406796.1, NM_001406798.1, NM_001406800.1 and 4 more transcripts); c.136G>C, p.Glu46Gln (NM_001406799.1, NM_001406806.1, NM_001406807.1); and 2 more; short protein forms E122Q, E165Q, E195Q, E221Q, E223Q, E253Q, E46Q, E91Q.
Identifiers: ClinVar variation 3616784 (VCV003616784.2).
Genomic context (GRCh38, chr2:47,798,644, plus strand): 5'-TTTAAATACTCTTTCCTTGCCTGGCAGGTAGGCACAACTTACGTAACAGATAAGAGTGAA[G>C]AAGATAATGAAATTGAGAGTGAAGAGGAAGTACAGCCTAAGACACAAGGATCTAGGCGAA-3'
Protein context (NP_000170.1, residues 211-231): GTTYVTDKSE[Glu221Gln]DNEIESEEEV

ClinVar aggregate classification (germline): Uncertain significance (1 of 4 stars; one submission).

Conditions:
Hereditary nonpolyposis colorectal neoplasms. Identifiers: MedGen C0009405, MeSH D003123.

Submission:

Labcorp Genetics (formerly Invitae), Labcorp
Classification: Uncertain significance for Hereditary nonpolyposis colorectal neoplasms. Last evaluated: 2024-11-05. Review status: criteria provided, single submitter. Criteria: Invitae Variant Classification Sherloc (09022015). Collection method: clinical testing. Allele origin: germline.
Comment: This sequence change replaces glutamic acid, which is acidic and polar, with glutamine, which is neutral and polar, at codon 221 of the MSH6 protein (p.Glu221Gln). This variant is not present in population databases (gnomAD no frequency). This variant has not been reported in the literature in individuals affected with MSH6-related conditions. Invitae Evidence Modeling of protein sequence and biophysical properties (such as structural, functional, and spatial information, amino acid conservation, physicochemical variation, residue mobility, and thermodynamic stability) indicates that this missense variant is not expected to disrupt MSH6 protein function with a negative predictive value of 95%. In summary, the available evidence is currently insufficient to determine the role of this variant in disease. Therefore, it has been classified as a Variant of Uncertain Significance.